The following is an entry in ClinVar:

NM_006070.6(TFG):c.482T>C (p.Met161Thr)

Gene: TFG (trafficking from ER to golgi regulator; plus strand). Cytogenetic location: 3q12.2.
Variant type: single nucleotide variant.
Coding change: c.482T>C on transcript NM_006070.6 (MANE Select); coding-DNA position 482, T replaced by C.
Protein change: p.Met161Thr; replaces methionine 161 with threonine.
Molecular consequence: missense variant.
Genome position (GRCh38, 1-based): chr3:100,732,574, T>C. VCF-style: chr3-100732574-T-C. GRCh37 (hg19) VCF-style: chr3-100451418-T-C.
Other names: c.482T>C, p.Met161Thr (NM_001007565.2, NM_001195478.2, NM_001195479.2); short protein forms M161T.
Identifiers: ClinVar variation 651133 (VCV000651133.6), dbSNP rs766899074, ClinGen allele CA2517095.

ClinVar aggregate classification (germline): Uncertain significance (1 of 4 stars; one submission).

Conditions:
Hereditary motor and sensory neuropathy, Okinawa type (HMSNO). Also called: HEREDITARY MOTOR AND SENSORY NEUROPATHY, PROXIMAL TYPE. Identifiers: Orphanet 90117, MedGen C1858338, MONDO:0011468, OMIM 604484.
Hereditary spastic paraplegia 57. Also called: Spastic paraplegia 57, autosomal recessive. Identifiers: Orphanet 431329, MedGen C3714897, MONDO:0014295, OMIM 615658.

Allele frequency attached by ClinVar (database versions not stated): TOPMed below 0.00001; ExAC 0.00001; gnomAD exomes 0.00001.

Submission:

Labcorp Genetics (formerly Invitae), Labcorp
Classification: Uncertain significance for Hereditary motor and sensory neuropathy, Okinawa type; Hereditary spastic paraplegia 57. Last evaluated: 2023-12-11. Review status: criteria provided, single submitter. Criteria: Invitae Variant Classification Sherloc (09022015). Collection method: clinical testing. Allele origin: germline.
Comment: This sequence change replaces methionine, which is neutral and non-polar, with threonine, which is neutral and polar, at codon 161 of the TFG protein (p.Met161Thr). This variant is present in population databases (rs766899074, gnomAD 0.002%). This variant has not been reported in the literature in individuals affected with TFG-related conditions. ClinVar contains an entry for this variant (Variation ID: 651133). Advanced modeling of protein sequence and biophysical properties (such as structural, functional, and spatial information, amino acid conservation, physicochemical variation, residue mobility, and thermodynamic stability) performed at Invitae indicates that this missense variant is not expected to disrupt TFG protein function with a negative predictive value of 80%. In summary, the available evidence is currently insufficient to determine the role of this variant in disease. Therefore, it has been classified as a Variant of Uncertain Significance.